The following is an entry in ClinVar:

ClinVar aggregate classification (germline): Uncertain significance (1 of 4 stars; one submission).

Submission:

Labcorp Genetics (formerly Invitae), Labcorp
Classification: Uncertain significance. Last evaluated: 2023-09-21. Review status: criteria provided, single submitter. Criteria: Invitae Variant Classification Sherloc (09022015). Collection method: clinical testing. Allele origin: germline.
Comment: In summary, the available evidence is currently insufficient to determine the role of this variant in disease. Therefore, it has been classified as a Variant of Uncertain Significance. Advanced modeling of protein sequence and biophysical properties (such as structural, functional, and spatial information, amino acid conservation, physicochemical variation, residue mobility, and thermodynamic stability) performed at Invitae indicates that this missense variant is not expected to disrupt TRRAP protein function. This variant has not been reported in the literature in individuals affected with TRRAP-related conditions. This variant is not present in population databases (gnomAD no frequency). This sequence change replaces alanine, which is neutral and non-polar, with glycine, which is neutral and non-polar, at codon 2419 of the TRRAP protein (p.Ala2419Gly).

NM_001375524.1(TRRAP):c.7331C>G (p.Ala2444Gly)

Gene: TRRAP (transformation/transcription domain associated protein; plus strand). Cytogenetic location: 7q22.1.
Variant type: single nucleotide variant.
Coding change: c.7331C>G on transcript NM_001375524.1 (MANE Select); coding-DNA position 7331, C replaced by G.
Protein change: p.Ala2444Gly; replaces alanine 2444 with glycine.
Molecular consequence: missense variant.
Genome position (GRCh38, 1-based): chr7:98,967,517, C>G. VCF-style: chr7-98967517-C-G. GRCh37 (hg19) VCF-style: chr7-98565140-C-G.
Other names: c.7310C>G, p.Ala2437Gly (NM_001244580.2); c.7256C>G, p.Ala2419Gly (NM_003496.4); short protein forms A2419G, A2444G, A2437G.
Identifiers: ClinVar variation 2762463 (VCV002762463.3), dbSNP rs774168977, ClinGen allele CA368292728.